The following is an entry in ClinVar:

ClinVar aggregate classification (germline): Uncertain significance. Review status: criteria provided, multiple submitters, no conflicts (2 of 4 stars). 2 submissions from 2 submitters: Uncertain significance (2). Last evaluated 2025-01-19.

Conditions:
Inborn genetic diseases. Identifiers: MedGen C0950123, MeSH D030342.

Allele frequency attached by ClinVar (database versions not stated): gnomAD 0.00002; gnomAD exomes 0.00002; ESP Exome Variant Server 0.00015; ExAC 0.00002; TOPMed 0.00001.
gnomAD v4.1: 70 of 1,614,008 alleles (0.0043%); highest among the groups gnomAD compares: Non-Finnish European, 0.0055%; no homozygotes.

Submissions (2):

Ambry Genetics
Classification: Uncertain significance for Inborn genetic diseases. Last evaluated: 2025-01-19. Review status: criteria provided, single submitter. Criteria: Ambry Variant Classification Scheme 2023. Collection method: clinical testing. Allele origin: germline.

Labcorp Genetics (formerly Invitae), Labcorp
Classification: Uncertain significance. Last evaluated: 2022-02-27. Review status: criteria provided, single submitter. Criteria: Invitae Variant Classification Sherloc (09022015). Collection method: clinical testing. Allele origin: germline.
Comment: This sequence change replaces lysine, which is basic and polar, with isoleucine, which is neutral and non-polar, at codon 4006 of the FAT4 protein (p.Lys4006Ile). This variant is present in population databases (rs138368884, gnomAD 0.006%). This variant has not been reported in the literature in individuals affected with FAT4-related conditions. Advanced modeling of protein sequence and biophysical properties (such as structural, functional, and spatial information, amino acid conservation, physicochemical variation, residue mobility, and thermodynamic stability) performed at Invitae indicates that this missense variant is not expected to disrupt FAT4 protein function. In summary, the available evidence is currently insufficient to determine the role of this variant in disease. Therefore, it has been classified as a Variant of Uncertain Significance.

NM_001291303.3(FAT4):c.12023A>T (p.Lys4008Ile)

Gene: FAT4 (FAT atypical cadherin 4; plus strand). Cytogenetic location: 4q28.1.
Variant type: single nucleotide variant.
Coding change: c.12023A>T on transcript NM_001291303.3 (MANE Select); coding-DNA position 12023, A replaced by T.
Protein change: p.Lys4008Ile; replaces lysine 4008 with isoleucine.
Molecular consequence: missense variant.
Genome position (GRCh38, 1-based): chr4:125,468,629, A>T. VCF-style: chr4-125468629-A-T. GRCh37 (hg19) VCF-style: chr4-126389784-A-T.
Other names: c.12023A>T, p.Lys4008Ile (NM_001291285.3); c.12017A>T, p.Lys4006Ile (NM_024582.6); c.12017A>T (NM_024582.4); short protein forms K4006I, K4008I.
Identifiers: ClinVar variation 1492331 (VCV001492331.6), dbSNP rs138368884, ClinGen allele CA3073990.